The following is an entry in ClinVar:

NM_007103.4(NDUFV1):c.1081-3C>T

Genes: NDUFV1 (NADH:ubiquinone oxidoreductase core subunit V1; plus strand), LOC126861242 (CDK7 strongly-dependent group 2 enhancer GRCh37_chr11:67379204-67380403; plus strand). Cytogenetic location: 11q13.2.
Variant type: single nucleotide variant.
Coding change: c.1081-3C>T on transcript NM_007103.4 (MANE Select); 3 bases into the intron before coding-DNA position 1081, C replaced by T.
Molecular consequence: intron variant.
Genome position (GRCh38, 1-based): chr11:67,611,894, C>T. VCF-style: chr11-67611894-C-T. GRCh37 (hg19) VCF-style: chr11-67379365-C-T.
Other names: c.1054-3C>T (NM_001166102.2).
Identifiers: ClinVar variation 1950415 (VCV001950415.5), dbSNP rs1162528044, ClinGen allele CA475511013.
Genomic context (GRCh38, chr11:67,611,894, plus strand): 5'-GGGGGCTGAGGCCCAGGCTTCTGTCTGGCCGTGGGTGCCTGCTAATTGCCCCTCGTCACC[C>T]AGACGGACATCGTGAAAGCCATCGCCCGCCTCATTGAGTTCTATAAGCACGAGAGCTGTG-3'

ClinVar aggregate classification (germline): Uncertain significance (1 of 4 stars; one submission).

Allele frequency attached by ClinVar (database versions not stated): gnomAD exomes below 0.00001.
gnomAD v4.1: 1 of 1,614,044 alleles (0.000062%); highest among the groups gnomAD compares: Admixed American, 0.0017%; no homozygotes.

Submission:

Labcorp Genetics (formerly Invitae), Labcorp
Classification: Uncertain significance. Last evaluated: 2022-07-11. Review status: criteria provided, single submitter. Criteria: Invitae Variant Classification Sherloc (09022015). Collection method: clinical testing. Allele origin: germline.
Comment: In summary, the available evidence is currently insufficient to determine the role of this variant in disease. Therefore, it has been classified as a Variant of Uncertain Significance. Variants that disrupt the consensus splice site are a relatively common cause of aberrant splicing (PMID: 17576681, 9536098). Algorithms developed to predict the effect of sequence changes on RNA splicing suggest that this variant is not likely to affect RNA splicing. This variant has not been reported in the literature in individuals affected with NDUFV1-related conditions. This variant is present in population databases (no rsID available, gnomAD 0.003%). This sequence change falls in intron 7 of the NDUFV1 gene. It does not directly change the encoded amino acid sequence of the NDUFV1 protein. It affects a nucleotide within the consensus splice site.

Literature cited by the submitters: PubMed 17576681; PubMed 9536098.